The following is an entry in ClinVar:

ClinVar aggregate classification (germline): Uncertain significance. Review status: criteria provided, multiple submitters, no conflicts (2 of 4 stars). 2 submissions from 2 submitters: Uncertain significance (2). Last evaluated 2025-08-16.

Allele frequency attached by ClinVar (database versions not stated): gnomAD exomes below 0.00001; TOPMed below 0.00001; gnomAD 0.00001.
gnomAD v4.1: 4 of 1,613,964 alleles (0.00025%); highest among the groups gnomAD compares: African/African-American, 0.0027%; no homozygotes.

Submissions (2):

Labcorp Genetics (formerly Invitae), Labcorp
Classification: Uncertain significance. Last evaluated: 2025-08-16. Review status: criteria provided, single submitter. Criteria: Invitae Variant Classification Sherloc (09022015). Collection method: clinical testing. Allele origin: germline.
Comment: This sequence change replaces glycine, which is neutral and non-polar, with aspartic acid, which is acidic and polar, at codon 1089 of the A2ML1 protein (p.Gly1089Asp). This variant is not present in population databases (gnomAD no frequency). This variant has not been reported in the literature in individuals affected with A2ML1-related conditions. ClinVar contains an entry for this variant (Variation ID: 856063). An algorithm developed to predict the effect of missense changes on protein structure and function (PolyPhen-2) suggests that this variant is likely to be disruptive. In summary, the available evidence is currently insufficient to determine the role of this variant in disease. Therefore, it has been classified as a Variant of Uncertain Significance.

Ambry Genetics
Classification: Uncertain significance. Last evaluated: 2025-01-19. Review status: criteria provided, single submitter. Criteria: Ambry Variant Classification Scheme 2023. Collection method: clinical testing. Allele origin: germline.
Comment: The p.G1089D variant (also known as c.3266G>A), located in coding exon 27 of the A2ML1 gene, results from a G to A substitution at nucleotide position 3266. The glycine at codon 1089 is replaced by aspartic acid, an amino acid with similar properties. This amino acid position is conserved. In addition, this alteration is predicted to be deleterious by in silico analysis. Based on the available evidence, the clinical significance of this variant remains unclear.

NM_144670.6(A2ML1):c.3266G>A (p.Gly1089Asp)

Gene: A2ML1 (alpha-2-macroglobulin like 1; plus strand). Cytogenetic location: 12p13.31.
Variant type: single nucleotide variant.
Coding change: c.3266G>A on transcript NM_144670.6 (MANE Select); coding-DNA position 3266, G replaced by A.
Protein change: p.Gly1089Asp; replaces glycine 1089 with aspartic acid.
Molecular consequence: missense variant.
Genome position (GRCh38, 1-based): chr12:8,860,882, G>A. VCF-style: chr12-8860882-G-A. GRCh37 (hg19) VCF-style: chr12-9013478-G-A.
Other names: c.1793G>A, p.Gly598Asp (NM_001282424.3); c.3266G>A (NM_144670.3); short protein forms G1089D, G598D.
Identifiers: ClinVar variation 856063 (VCV000856063.10), dbSNP rs1944235050, ClinGen allele CA383840080.
Genomic context (GRCh38, chr12:8,860,882, plus strand): 5'-CATAATTCTTGCAGCTGCTGCCTGCTGCCCTGACTCACTGCCTCCCTGTTTGCCTCTAGG[G>A]TGGTGTTGATGATGAGGTCTCCTTGACTGCGTATGTCACAGCTGCATTGCTGGAGATGGG-3'
Protein context (NP_653271.3, residues 1079-1099): VGNLLHTAMK[Gly1089Asp]GVDDEVSLTA